The following is an entry in ClinVar:

NM_000059.4(BRCA2):c.8090_8105del (p.Ser2697fs)

Gene: BRCA2 (BRCA2 DNA repair associated; plus strand). Cytogenetic location: 13q13.1.
Variant type: Deletion.
Coding change: c.8090_8105del on transcript NM_000059.4 (MANE Select); coding-DNA positions 8090 to 8105, 16 bases deleted (GCGCAAATATATCTGA).
Protein change: p.Ser2697fs; shifts the reading frame from serine 2697.
Molecular consequence: frameshift variant.
Genome position (GRCh38, 1-based): chr13:32,363,292-32,363,307, GCGCAAATATATCTGA deleted; deleting any 16 consecutive bases within chr13:32,363,289-32,363,307 gives the same sequence; the c. name uses the placement nearest the transcript's 3' end. VCF-style (leftmost placement, unchanged base first): chr13-32363288-TTGAGCGCAAATATATC-T. GRCh37 (hg19) VCF-style: chr13-32937425-TTGAGCGCAAATATATC-T.
Other names: c.8090_8105delGCGCAAATATATCTGA (NM_000059.3).
Identifiers: ClinVar variation 440425 (VCV000440425.4), dbSNP rs1555286989, ClinGen allele CA645509332.
Genomic context (GRCh38, chr13:32,363,288, plus strand): 5'-ATGGAAAGGGATGACACAGCTGCAAAAACACTTGTTCTCTGTGTTTCTGACATAATTTCA[TTGAGCGCAAATATATC>T]TGAAACTTCTAGCAATAAAACTAGTAGTGCAGATACCCAAAAAGTGGCCATTATTGAACT-3'

ClinVar aggregate classification (germline): Pathogenic. Review status: reviewed by expert panel (3 of 4 stars). 2 submissions from 2 submitters: Pathogenic (1). 1 of the submissions does not count toward it. Last evaluated 2017-12-15.

Conditions:
Breast-ovarian cancer, familial, susceptibility to, 2 (BROVCA2). Also called: BRCA2 Hereditary Breast and Ovarian Cancer. Identifiers: Orphanet 145, MedGen C2675520, MONDO:0012933, OMIM 612555. Disease mechanism: loss of function.

Submissions (2):

Evidence-based Network for the Interpretation of Germline Mutant Alleles (ENIGMA)
Classification: Pathogenic for Breast-ovarian cancer, familial, susceptibility to, 2. Last evaluated: 2017-12-15. Review status: reviewed by expert panel. Criteria: ENIGMA BRCA1/2 Classification Criteria (2017-06-29). Collection method: curation. Allele origin: germline. Study: ENIGMA.
Comment: Variant allele predicted to encode a truncated non-functional protein.

Department of Medical Genetics, Oslo University Hospital
Classification: Pathogenic for Breast-ovarian cancer, familial, susceptibility to, 2. Last evaluated: 2015-07-01. Review status: criteria provided, single submitter. Criteria: ACMG Guidelines, 2015. Collection method: clinical testing. Allele origin: germline. Affected: yes. Observed: 2 variant alleles. Not counted in ClinVar's aggregate classification.